The following is an entry in ClinVar:

ClinVar aggregate classification (germline): Pathogenic (0 of 4 stars; one submission).

Conditions:
Deficiency of ferroxidase (ACEP). Also called: Deficiency of ceruloplasmin; Aceruloplasminemia; Ceruloplasmin deficiency; Familial apoceruloplasmin deficiency; Hereditary ceruloplasmin deficiency; NEURODEGENERATION WITH BRAIN IRON ACCUMULATION 10. Identifiers: Orphanet 48818, MedGen C0878682, MONDO:0011426, OMIM 604290, HP:0025498.

Submission:

GeneReviews
Classification: Pathogenic for Aceruloplasminemia. Last evaluated: 2013-04-18. Review status: no assertion criteria provided. Collection method: curation. Allele origin: unknown.
ClinVar note: Converted during submission from pathologic to Pathogenic.

NM_000096.4(CP):c.2603del (p.Gly868fs)

Gene: CP (ceruloplasmin; minus strand). Cytogenetic location: 3q24.
Variant type: Deletion.
Coding change: c.2603del on transcript NM_000096.4 (MANE Select); coding-DNA position 2603, one base deleted (G; older notation c.2603delG).
Protein change: p.Gly868fs; shifts the reading frame from glycine 868.
Molecular consequence: frameshift variant. On other transcripts: non-coding transcript variant (1).
Genome position (GRCh38, 1-based): chr3:149,179,614, C deleted on the plus strand (G on the coding strand, the reverse complement: CP is on the minus strand); the first of 2 consecutive C bases (chr3:149,179,614-149,179,615); deleting either gives the same sequence. VCF-style (leftmost placement, unchanged base first): chr3-149179613-TC-T. GRCh37 (hg19) VCF-style: chr3-148897400-TC-T.
Other names: c.2602delG; short protein forms G868fs.
Identifiers: ClinVar variation 42153 (VCV000042153.3), dbSNP rs386134152, ClinGen allele CA344614.